The following is an entry in ClinVar:

ClinVar aggregate classification (germline): Uncertain significance (1 of 4 stars; one submission).

Submission:

Illumina Laboratory Services, Illumina
Classification: Uncertain significance. Last evaluated: 2019-01-16. Review status: criteria provided, single submitter. Criteria: ICSL CNVClassificationCriteria Aug2020. Collection method: clinical testing. Allele origin: unknown.
Comment: This CNV is a 438 kb duplication of 9q34.11 on chromosome 9, (seq[GRCh37]dup(9)(q34.11); chr9:g.131282528_131720659dup), and is of unknown inheritance. The CNV constitutes a gain encompassing 16 genes. Individuals with similar gains in this region have not been reported in the peer-reviewed literature. There are several patients with de novo duplications in this region in the DECIPHER database who are noted to display phenotypic features including intellectual disability, delayed speech and language development, abnormal facial features, and abnormal behaviors (Firth et al. 2009). There are also three patients in a developmental delay case cohort with similar gains and none in controls (Coe et al. 2014). Based on the limited evidence currently available, this CNV is classified as a variant of uncertain significance.

Literature cited by the submitters: PubMed 19344873; PubMed 25217958.

GRCh37/hg19 9q34.11(chr9:131282528-131720659)x3

Genes: DOLK (dolichol kinase; minus strand), DYNC2I2 (dynein 2 intermediate chain 2; minus strand), ENDOG (endonuclease G; plus strand), GLE1 (GLE1 RNA export mediator; plus strand), KYAT1 (kynurenine aminotransferase 1; minus strand) and 10 more. Cytogenetic location: 9q34.11.
Variant type: copy number gain.
Change: copy number 3 (three copies instead of two) of chr9:131,282,528-131,720,659 (438.1 kb, GRCh37 coordinates, 1-based), cytogenetic band 9q34.11.
Identifiers: ClinVar variation 988939 (VCV000988939.4).